The following is an entry in ClinVar:

ClinVar aggregate classification (germline): Uncertain significance (1 of 4 stars; one submission).

Allele frequency attached by ClinVar (database versions not stated): gnomAD 0.00001; gnomAD exomes 0.00001.

Submission:

Labcorp Genetics (formerly Invitae), Labcorp
Classification: Uncertain significance. Last evaluated: 2022-04-28. Review status: criteria provided, single submitter. Criteria: Invitae Variant Classification Sherloc (09022015). Collection method: clinical testing. Allele origin: germline.
Comment: In summary, the available evidence is currently insufficient to determine the role of this variant in disease. Therefore, it has been classified as a Variant of Uncertain Significance. This sequence change replaces methionine, which is neutral and non-polar, with valine, which is neutral and non-polar, at codon 125 of the POGLUT1 protein (p.Met125Val). This variant is not present in population databases (gnomAD no frequency). This variant has not been reported in the literature in individuals affected with POGLUT1-related conditions. Algorithms developed to predict the effect of missense changes on protein structure and function are either unavailable or do not agree on the potential impact of this missense change (SIFT: "Not Available"; PolyPhen-2: "Benign"; Align-GVGD: "Not Available").

NM_152305.3(POGLUT1):c.373A>G (p.Met125Val)

Gene: POGLUT1 (protein O-glucosyltransferase 1; plus strand). Cytogenetic location: 3q13.33.
Variant type: single nucleotide variant.
Coding change: c.373A>G on transcript NM_152305.3 (MANE Select); coding-DNA position 373, A replaced by G.
Protein change: p.Met125Val; replaces methionine 125 with valine.
Molecular consequence: missense variant. On other transcripts: non-coding transcript variant (1).
Genome position (GRCh38, 1-based): chr3:119,477,365, A>G. VCF-style: chr3-119477365-A-G. GRCh37 (hg19) VCF-style: chr3-119196212-A-G.
Other names: c.373A>G, p.Met125Val (NM_020231.3); short protein forms M125V.
Identifiers: ClinVar variation 2131548 (VCV002131548.4), dbSNP rs2081549931, ClinGen allele CA354040281.